The following is an entry in ClinVar:

NM_000094.4(COL7A1):c.740C>A (p.Ser247Tyr)

Gene: COL7A1 (collagen type VII alpha 1 chain; minus strand). Cytogenetic location: 3p21.31.
Variant type: single nucleotide variant.
Coding change: c.740C>A on transcript NM_000094.4 (MANE Select); coding-DNA position 740, C replaced by A.
Protein change: p.Ser247Tyr; replaces serine 247 with tyrosine.
Molecular consequence: missense variant.
Genome position (GRCh38, 1-based): chr3:48,592,881, G>T on the plus strand (C>A on the coding strand, the complement: COL7A1 is on the minus strand). VCF-style: chr3-48592881-G-T. GRCh37 (hg19) VCF-style: chr3-48630314-G-T.
Other names: short protein forms S247Y.
Identifiers: ClinVar variation 1354544 (VCV001354544.8), dbSNP rs770500830, ClinGen allele CA2381453.

ClinVar aggregate classification (germline): Uncertain significance (1 of 4 stars; one submission).

Allele frequency attached by ClinVar (database versions not stated): gnomAD exomes below 0.00001; ExAC 0.00001.
gnomAD v4.1: 1 of 1,614,070 alleles (0.000062%); highest among the groups gnomAD compares: Non-Finnish European, 0.000085%; no homozygotes.

Submission:

Labcorp Genetics (formerly Invitae), Labcorp
Classification: Uncertain significance. Last evaluated: 2021-05-18. Review status: criteria provided, single submitter. Criteria: Invitae Variant Classification Sherloc (09022015). Collection method: clinical testing. Allele origin: germline.
Comment: Algorithms developed to predict the effect of missense changes on protein structure and function are either unavailable or do not agree on the potential impact of this missense change (SIFT: "Deleterious"; PolyPhen-2: "Not Available"; Align-GVGD: "Class C0"). This sequence change replaces serine with tyrosine at codon 247 of the COL7A1 protein (p.Ser247Tyr). The serine residue is moderately conserved and there is a large physicochemical difference between serine and tyrosine. This variant is present in population databases (rs770500830, ExAC 0.002%). This variant has not been reported in the literature in individuals with COL7A1-related conditions. In summary, the available evidence is currently insufficient to determine the role of this variant in disease. Therefore, it has been classified as a Variant of Uncertain Significance.